The following is an entry in ClinVar:

NM_014844.5(TECPR2):c.2092T>G (p.Trp698Gly)

Gene: TECPR2 (tectonin beta-propeller repeat containing 2; plus strand). Cytogenetic location: 14q32.31.
Variant type: single nucleotide variant.
Coding change: c.2092T>G on transcript NM_014844.5 (MANE Select); coding-DNA position 2092, T replaced by G.
Protein change: p.Trp698Gly; replaces tryptophan 698 with glycine.
Molecular consequence: missense variant.
Genome position (GRCh38, 1-based): chr14:102,434,909, T>G. VCF-style: chr14-102434909-T-G. GRCh37 (hg19) VCF-style: chr14-102901246-T-G.
Other names: c.2092T>G, p.Trp698Gly (NM_001172631.3); short protein forms W698G.
Identifiers: ClinVar variation 3025880 (VCV003025880.22), dbSNP rs1377992476, ClinGen allele CA391062103.

ClinVar aggregate classification (germline): Uncertain significance (1 of 4 stars; one submission).

Submission:

CeGaT Center for Human Genetics Tuebingen
Classification: Uncertain significance. Last evaluated: 2023-12-01. Review status: criteria provided, single submitter. Criteria: CeGaT Center For Human Genetics Tuebingen Variant Classification Criteria Version 2. Collection method: clinical testing. Allele origin: germline. Affected: yes. Observed: 1 variant allele.
Comment: TECPR2: PM2, BP4